The following is an entry in ClinVar:

ClinVar aggregate classification (germline): Likely benign. Review status: no assertion criteria provided (0 of 4 stars). 2 submissions from 2 submitters: Likely benign (1). 1 of the submissions does not count toward it. Last evaluated 2022-05-17.

Conditions:
KRT8-related disorder. Also called: KRT8-related condition.

Allele frequency attached by ClinVar (database versions not stated): 1000 Genomes Project 30x 0.00078; 1000 Genomes Project 0.00080; ExAC 0.00385; gnomAD 0.00394 and 0.00398; TOPMed 0.00447; ESP Exome Variant Server 0.00662.
gnomAD v4.1: 10,862 of 1,612,008 alleles (0.67%); highest among the groups gnomAD compares: Non-Finnish European, 0.83%; 50 homozygotes.

Submissions (2):

PreventionGenetics, part of Exact Sciences
Classification: Likely benign for KRT8-related condition. Last evaluated: 2022-05-17. Review status: no assertion criteria provided. Collection method: clinical testing. Allele origin: germline.
Comment: This variant is classified as likely benign based on ACMG/AMP sequence variant interpretation guidelines (Richards et al. 2015 PMID: 25741868, with internal and published modifications).

Epithelial Biology;  Institute of Medical Biology, Singapore
No classification provided. Review status: no classification provided. Collection method: not provided. Allele origin: not provided. Not counted in ClinVar's aggregate classification.

NM_002273.4(KRT8):c.955G>T (p.Ala319Ser)

Gene: KRT8 (keratin 8; minus strand). Cytogenetic location: 12q13.13.
Variant type: single nucleotide variant.
Coding change: c.955G>T on transcript NM_002273.4 (MANE Select); coding-DNA position 955, G replaced by T.
Protein change: p.Ala319Ser; replaces alanine 319 with serine.
Molecular consequence: missense variant. On other transcripts: non-coding transcript variant (1).
Genome position (GRCh38, 1-based): chr12:52,899,801, C>A on the plus strand (G>T on the coding strand, the complement: KRT8 is on the minus strand). VCF-style: chr12-52899801-C-A. GRCh37 (hg19) VCF-style: chr12-53293585-C-A.
Other names: c.1039G>T, p.Ala347Ser (NM_001256282.2); c.955G>T, p.Ala319Ser (NM_001256293.2); short protein forms A319S, A347S.
Identifiers: ClinVar variation 66537 (VCV000066537.3), dbSNP rs58912304, ClinGen allele CA217272.
Genomic context (GRCh38, chr12:52,899,801, plus strand): 5'-AAGGAACCCCTCCCACCCCCAACCCGGCCCATACCTGGCCTTTGAGGCCCTCAATCTCAG[C>A]CTGGAGCCGGCTGATGTTCCGGTTCATCTCAGAGATCTCAGTCTTTGTGCGCCGCAGGTC-3'
Protein context (NP_002264.1, residues 309-329): EMNRNISRLQ[Ala319Ser]EIEGLKGQRA